The following is an entry in ClinVar:

ClinVar aggregate classification (germline): Uncertain significance (1 of 4 stars; one submission).

Conditions:
Short-rib thoracic dysplasia 14 with polydactyly (SRTD14). Identifiers: Orphanet 397715, MedGen C4225286, MONDO:0014688, OMIM 616546.
Joubert syndrome 23 (JBTS23). Identifiers: Orphanet 475, MedGen C4084822, MONDO:0014664, OMIM 616490.

Allele frequency attached by ClinVar (database versions not stated): gnomAD exomes 0.00001 and 0.00003; gnomAD 0.00019; TOPMed 0.00021; 1000 Genomes Project 30x 0.00031; 1000 Genomes Project 0.00040.
gnomAD v4.1: 33 of 433,264 alleles (0.0076%); highest among the groups gnomAD compares: African/African-American, 0.057%; no homozygotes.

Submission:

Labcorp Genetics (formerly Invitae), Labcorp
Classification: Uncertain significance for Joubert syndrome 23; Short-rib thoracic dysplasia 14 with polydactyly. Last evaluated: 2022-09-01. Review status: criteria provided, single submitter. Criteria: Invitae Variant Classification Sherloc (09022015). Collection method: clinical testing. Allele origin: germline.
Comment: This sequence change replaces arginine, which is basic and polar, with threonine, which is neutral and polar, at codon 190 of the KIAA0586 protein (p.Arg190Thr). This variant also falls at the last nucleotide of exon 6, which is part of the consensus splice site for this exon. This variant is present in population databases (rs570489575, gnomAD 0.05%). This variant has not been reported in the literature in individuals affected with KIAA0586-related conditions. ClinVar contains an entry for this variant (Variation ID: 1357214). Algorithms developed to predict the effect of missense changes on protein structure and function are either unavailable or do not agree on the potential impact of this missense change (SIFT: "Deleterious"; PolyPhen-2: "Benign"; Align-GVGD: "Class C0"). Variants that disrupt the consensus splice site are a relatively common cause of aberrant splicing (PMID: 17576681, 9536098). Algorithms developed to predict the effect of sequence changes on RNA splicing suggest that this variant may disrupt the consensus splice site. In summary, the available evidence is currently insufficient to determine the role of this variant in disease. Therefore, it has been classified as a Variant of Uncertain Significance.

Literature cited by the submitters: PubMed 17576681; PubMed 9536098.

NM_001329943.3(KIAA0586):c.411-1363G>C

Gene: KIAA0586 (KIAA0586; plus strand). Cytogenetic location: 14q23.1.
Variant type: single nucleotide variant.
Coding change: c.411-1363G>C on transcript NM_001329943.3 (MANE Select); 1363 bases into the intron before coding-DNA position 411, G replaced by C.
Molecular consequence: intron variant. On other transcripts: missense variant (2).
Genome position (GRCh38, 1-based): chr14:58,441,343, G>C. VCF-style: chr14-58441343-G-C. GRCh37 (hg19) VCF-style: chr14-58908061-G-C.
Other names: c.569G>C, p.Arg190Thr (NM_001244189.2); c.278G>C, p.Arg93Thr (NM_001244192.2); c.366-1363G>C (NM_001244190.2); c.156-1363G>C (NM_001244191.2, NM_001364701.2, NM_001329945.2 and 1 more transcripts); c.411-1363G>C (NM_001329944.2, NM_001329946.2, NM_001329947.2 and 1 more transcripts); c.-10-1363G>C (NM_001244193.2); short protein forms R190T, R93T.
Identifiers: ClinVar variation 1357214 (VCV001357214.3), dbSNP rs570489575, ClinGen allele CA261610358.